The following is an entry in ClinVar:

NM_020937.4(FANCM):c.4780-20T>G

Gene: FANCM (FA complementation group M; plus strand). Cytogenetic location: 14q21.2.
Variant type: single nucleotide variant.
Coding change: c.4780-20T>G on transcript NM_020937.4 (MANE Select); 20 bases into the intron before coding-DNA position 4780, T replaced by G.
Molecular consequence: intron variant.
Genome position (GRCh38, 1-based): chr14:45,188,782, T>G. VCF-style: chr14-45188782-T-G. GRCh37 (hg19) VCF-style: chr14-45657985-T-G.
Other names: c.4702-20T>G (NM_001308133.2).
Identifiers: ClinVar variation 2991126 (VCV002991126.3), dbSNP rs2503242341, ClinGen allele CA2740097072.

ClinVar aggregate classification (germline): Uncertain significance (1 of 4 stars; one submission).

Conditions:
Fanconi anemia (FA). Also called: Fanconi's anemia. Identifiers: Orphanet 84, MedGen C0015625, MeSH D005199, MONDO:0019391.

Submission:

Labcorp Genetics (formerly Invitae), Labcorp
Classification: Uncertain significance for Fanconi anemia. Last evaluated: 2022-12-29. Review status: criteria provided, single submitter. Criteria: Invitae Variant Classification Sherloc (09022015). Collection method: clinical testing. Allele origin: germline.
Comment: In summary, the available evidence is currently insufficient to determine the role of this variant in disease. Therefore, it has been classified as a Variant of Uncertain Significance. This sequence change falls in intron 19 of the FANCM gene. It does not directly change the encoded amino acid sequence of the FANCM protein. This variant is not present in population databases (gnomAD no frequency). This variant has not been reported in the literature in individuals affected with FANCM-related conditions. Algorithms developed to predict the effect of sequence changes on RNA splicing suggest that this variant may create or strengthen a splice site.